The following is an entry in ClinVar:

ClinVar aggregate classification (germline): Uncertain significance. Review status: criteria provided, multiple submitters, no conflicts (2 of 4 stars). 2 submissions from 2 submitters: Uncertain significance (2). Last evaluated 2025-08-29.

Conditions:
Hypophosphatasia. Also called: Phosphoethanol-aminuria. Identifiers: Orphanet 436, MedGen C0020630, MeSH D007014, MONDO:0018570.

Submissions (2):

Genomenon, Inc
Classification: Uncertain significance for Hypophosphatasia. Last evaluated: 2025-08-29. Review status: criteria provided, single submitter. Criteria: Genomenon Sequence Variant Interpretation Standards. Collection method: curation. Allele origin: germline. Affected: yes.
Comment: ALPL c.625A>T is a missense variant that changes the amino acid at residue 209 from Methionine to Leucine. This variant has been observed in at least one proband affected with hypophosphatasia (PMID:33191482;31485555). It is absent or not present at a significant frequency in gnomAD. In conclusion, we classify ALPL p.Met209Leu (c.625A>T) as a variant of unknown significance.

JKU Lab, Dept of Paediatrics, Johannes Kepler University
Classification: Uncertain significance for Hypophosphatasia. Last evaluated: 2021-12-16. Review status: criteria provided, single submitter. Criteria: ACMG Guidelines, 2015. Collection method: clinical testing. Allele origin: germline. Affected: yes. Observed: 1 heterozygote, 1 compound heterozygote.
Comment: This variant is absent from large population studies. Functional studies performed at the JKU Hoegler lab showed reduced ALPL activity. ACMG Criteria used for classification: PS3_sup, PM2_sup, PP2_sup, PP3_sup, PP4_sup.

Literature cited by the submitters: PubMed 33191482 (cited by Genomenon, Inc and JKU Lab, Dept of Paediatrics, Johannes Kepler University); PubMed 31485555 (cited by Genomenon, Inc and JKU Lab, Dept of Paediatrics, Johannes Kepler University).

NM_000478.6(ALPL):c.625A>T (p.Met209Leu)

Gene: ALPL (alkaline phosphatase, biomineralization associated; plus strand). Cytogenetic location: 1p36.12.
Variant type: single nucleotide variant.
Coding change: c.625A>T on transcript NM_000478.6 (MANE Select); coding-DNA position 625, A replaced by T.
Protein change: p.Met209Leu; replaces methionine 209 with leucine.
Molecular consequence: missense variant.
Genome position (GRCh38, 1-based): chr1:21,564,193, A>T. VCF-style: chr1-21564193-A-T. GRCh37 (hg19) VCF-style: chr1-21890686-A-T.
Other names: c.460A>T, p.Met154Leu (NM_001127501.4); c.394A>T, p.Met132Leu (NM_001177520.3); c.625A>T, p.Met209Leu (NM_001369803.2, NM_001369804.2, NM_001369805.2); short protein forms M132L, M154L, M209L.
Identifiers: ClinVar variation 1334797 (VCV001334797.3), dbSNP rs1644530700, ClinGen allele CA338878360.